The following is an entry in ClinVar:

ClinVar aggregate classification (germline): Pathogenic (1 of 4 stars; one submission).

Conditions:
Ataxia-telangiectasia syndrome (AT). Also called: Cerebello-oculocutaneous telangiectasia; Immunodeficiency with ataxia telangiectasia; ATAXIA-TELANGIECTASIA, FRESNO VARIANT; Ataxia-telangiectasia, complementation group D; Ataxia telangiectasia (A-T); LOUIS-BAR SYNDROME. Identifiers: Orphanet 100, MedGen C0004135, MONDO:0008840, OMIM 208900.

Submission:

Labcorp Genetics (formerly Invitae), Labcorp
Classification: Pathogenic for Ataxia-telangiectasia syndrome. Last evaluated: 2020-02-19. Review status: criteria provided, single submitter. Criteria: Invitae Variant Classification Sherloc (09022015). Collection method: clinical testing. Allele origin: germline.
Comment: This variant has not been reported in the literature in individuals with ATM-related conditions. This sequence change creates a premature translational stop signal (p.Asp203Thrfs*3) in the ATM gene. It is expected to result in an absent or disrupted protein product. This variant is not present in population databases (ExAC no frequency). Loss-of-function variants in ATM are known to be pathogenic (PMID: 23807571, 25614872). For these reasons, this variant has been classified as Pathogenic.

Literature cited by the submitters: PubMed 23807571; PubMed 25614872.

NM_000051.4(ATM):c.607del (p.Asp203fs)

Gene: ATM (ATM serine/threonine kinase; plus strand). Cytogenetic location: 11q22.3.
Variant type: Deletion.
Coding change: c.607del on transcript NM_000051.4 (MANE Select); coding-DNA position 607, one base deleted (G; older notation c.607delG).
Protein change: p.Asp203fs; shifts the reading frame from aspartic acid 203.
Molecular consequence: frameshift variant.
Genome position (GRCh38, 1-based): chr11:108,244,063, G deleted. VCF-style (leftmost placement, unchanged base first): chr11-108244062-TG-T. GRCh37 (hg19) VCF-style: chr11-108114789-TG-T.
Other names: c.607del, p.Asp203fs (NM_001351834.2); short protein forms D203fs.
Identifiers: ClinVar variation 1073522 (VCV001073522.7), dbSNP rs2135225618, ClinGen allele CA2499220544.